The following is an entry in ClinVar:

ClinVar aggregate classification (germline): Uncertain significance (1 of 4 stars; one submission).

Conditions:
Ankyloblepharon-ectodermal defects-cleft lip/palate syndrome. Also called: Ankyloblepharon-Ectodermal Defects-Cleft Lip/Palate Syndrome (AEC Syndrome); HAY-WELLS SYNDROME; Ankyloblepharon-ectodermal defects, cleft lip/palate; Hay-Wells syndrome of ectodermal dysplasia; AEC SYNDROME. Identifiers: Orphanet 1071, MedGen C0406709, MONDO:0007124, OMIM 106260.

Submission:

Hacettepe Pediatric Genetics Laboratory, Hacettepe University
Classification: Uncertain significance for Ankyloblepharon-ectodermal defects-cleft lip/palate syndrome. Last evaluated: 2023-01-24. Review status: criteria provided, single submitter. Criteria: ACMG Guidelines, 2015. Collection method: clinical testing. Allele origin: germline. Inheritance: Autosomal dominant inheritance. Affected: no. Observed: 1 heterozygote.
Comment: This change was classified as “ uncertain significance” according to the ACMG guidelines and predicted to be deleterious by CADD score (23).

NM_003722.5(TP63):c.1724A>G (p.Gln575Arg)

Gene: TP63 (tumor protein p63; plus strand). Cytogenetic location: 3q28.
Variant type: single nucleotide variant.
Coding change: c.1724A>G on transcript NM_003722.5 (MANE Select); coding-DNA position 1724, A replaced by G.
Protein change: p.Gln575Arg; replaces glutamine 575 with arginine.
Molecular consequence: missense variant. On other transcripts: intron variant (6).
Genome position (GRCh38, 1-based): chr3:189,890,860, A>G. VCF-style: chr3-189890860-A-G. GRCh37 (hg19) VCF-style: chr3-189608649-A-G.
Other names: c.1442A>G, p.Gln481Arg (NM_001114980.2); c.1187A>G, p.Gln396Arg (NM_001329146.2); c.1712A>G, p.Gln571Arg (NM_001329148.2); c.1718A>G, p.Gln573Arg (NM_001329964.2); c.1652+1376A>G (NM_001114978.2); c.1508-3346A>G (NM_001329144.2); c.1370+1376A>G (NM_001114981.2); c.1226-3346A>G (NM_001329145.2); and 2 more; short protein forms Q571R, Q573R, Q396R, Q481R, Q575R.
Identifiers: ClinVar variation 2203759 (VCV002203759.2), dbSNP rs2474713795, ClinGen allele CA355759170.
Genomic context (GRCh38, chr3:189,890,860, plus strand): 5'-GGTTGGGCTGTTCATCATGTCTGGACTATTTCACGACCCAGGGGCTGACCACCATCTATC[A>G]GATTGAGCATTACTCCATGGATGTAAGTAACTGTTAGACTTTTCTCAAATTTTATTTCTT-3'
Protein context (NP_003713.3, residues 565-585): FTTQGLTTIY[Gln575Arg]IEHYSMDDLA